The following is an entry in ClinVar:

ClinVar aggregate classification (germline): Uncertain significance (1 of 4 stars; one submission).

Conditions:
Capillary malformation-arteriovenous malformation syndrome. Also called: Capillary malformation-arteriovenous malformation. Identifiers: Orphanet 137667, MedGen C1842180, MONDO:0012016.

Allele frequency attached by ClinVar (database versions not stated): gnomAD exomes below 0.00001.
gnomAD v4.1: 2 of 1,592,840 alleles (0.00013%); highest among the groups gnomAD compares: South Asian, 0.0022%; no homozygotes.

Submission:

Labcorp Genetics (formerly Invitae), Labcorp
Classification: Uncertain significance for Capillary malformation-arteriovenous malformation syndrome. Last evaluated: 2022-09-13. Review status: criteria provided, single submitter. Criteria: Invitae Variant Classification Sherloc (09022015). Collection method: clinical testing. Allele origin: germline.
Comment: This sequence change replaces leucine, which is neutral and non-polar, with proline, which is neutral and non-polar, at codon 450 of the RASA1 protein (p.Leu450Pro). This variant is present in population databases (no rsID available, gnomAD 0.003%). This variant has not been reported in the literature in individuals affected with RASA1-related conditions. Algorithms developed to predict the effect of missense changes on protein structure and function are either unavailable or do not agree on the potential impact of this missense change (SIFT: "Deleterious"; PolyPhen-2: "Benign"; Align-GVGD: "Class C0"). In summary, the available evidence is currently insufficient to determine the role of this variant in disease. Therefore, it has been classified as a Variant of Uncertain Significance.

NM_002890.3(RASA1):c.1349T>C (p.Leu450Pro)

Genes: CCNH (cyclin H; minus strand), RASA1 (RAS p21 protein activator 1; plus strand). Cytogenetic location: 5q14.3.
Variant type: single nucleotide variant.
Coding change: c.1349T>C on transcript NM_002890.3 (MANE Select); coding-DNA position 1349, T replaced by C.
Protein change: p.Leu450Pro; replaces leucine 450 with proline.
Molecular consequence: missense variant. On other transcripts: intron variant (1).
Genome position (GRCh38, 1-based): chr5:87,362,567, T>C. VCF-style: chr5-87362567-T-C. GRCh37 (hg19) VCF-style: chr5-86658384-T-C.
Other names: c.818T>C, p.Leu273Pro (NM_022650.3); c.933+32477A>G (NM_001364075.2); short protein forms L273P, L450P.
Identifiers: ClinVar variation 2152362 (VCV002152362.3), dbSNP rs1421548708, ClinGen allele CA360367363.